The following is an entry in ClinVar:

ClinVar aggregate classification (germline): Pathogenic. Review status: criteria provided, multiple submitters, no conflicts (2 of 4 stars). 2 submissions from 2 submitters: Pathogenic (2). Last evaluated 2022-10-25.

Conditions:
Pheochromocytoma. Also called: MAX-Related Hereditary Paraganglioma-Pheochromocytoma Syndrome. Identifiers: Orphanet 29072, MedGen C0031511, MONDO:0008233, OMIM 171300, HP:0002666.
Carney-Stratakis syndrome. Also called: PARAGANGLIOMA AND GASTROINTESTINAL STROMAL TUMOR. Identifiers: Orphanet 97286, MedGen C1847319, MONDO:0011740, OMIM 606864.
Paragangliomas with sensorineural hearing loss. Identifiers: MedGen C1868633.
Cowden syndrome 3 (CWS3). Identifiers: Orphanet 201, MedGen CN166604, MONDO:0014045.
Hereditary cancer-predisposing syndrome. Also called: Neoplastic Syndromes, Hereditary; Tumor predisposition; Hereditary neoplastic syndrome; Hereditary Cancer Syndrome. Identifiers: Orphanet 140162, MedGen C0027672, MeSH D009386, MONDO:0015356.

Submissions (2):

Labcorp Genetics (formerly Invitae), Labcorp
Classification: Pathogenic for Carney-Stratakis syndrome; Paragangliomas with sensorineural hearing loss; Pheochromocytoma; Cowden syndrome 3. Last evaluated: 2022-10-25. Review status: criteria provided, single submitter. Criteria: Invitae Variant Classification Sherloc (09022015). Collection method: clinical testing. Allele origin: germline.
Comment: ClinVar contains an entry for this variant (Variation ID: 579968). Disruption of the initiator codon has been observed in individual(s) with head and neck paraganglioma (HNPGL) and pheochromocytoma (PCC) (PMID: 11391796, 15066320, 17576205, 19258401, 19351833, 19454582, 21945342, 22241717). This variant is not present in population databases (gnomAD no frequency). This sequence change affects the initiator methionine of the SDHD mRNA. The next in-frame methionine is located at codon 91. For these reasons, this variant has been classified as Pathogenic.

Ambry Genetics
Classification: Pathogenic for Hereditary cancer-predisposing syndrome. Last evaluated: 2020-01-27. Review status: criteria provided, single submitter. Criteria: Ambry Variant Classification Scheme 2023. Collection method: clinical testing. Allele origin: germline.
Comment: The p.M1? pathogenic mutation (also known as c.3G>A) is located in coding exon 1 of the SDHD gene and results from a G to A substitution at nucleotide position 3. This alters the methionine residue at the initiation codon. This mutation has been observed in multiple individuals with pheochromocytomas and/or paragangliomas (Casc&oacute;n A et al. J. Clin. Endocrinol. Metab. 2009 May;94(5):1701-5; Ben Aim L et al. J. Med. Genet. 2019 Aug;56(8):513-520; Ambry Internal Data). In addition to the clinical data presented in the literature, since sequence variations that modify the initiation codon (ATG) are expected to result in either loss of translation initiation, N-terminal truncation, or cause a shift in the mRNA reading frame, this alteration is interpreted as a disease-causing mutation.

Literature cited by the submitters: PubMed 11391796 (cited by Labcorp Genetics (formerly Invitae), Labcorp); PubMed 15066320 (cited by Labcorp Genetics (formerly Invitae), Labcorp); PubMed 17576205 (cited by Labcorp Genetics (formerly Invitae), Labcorp); PubMed 19258401 (cited by Labcorp Genetics (formerly Invitae), Labcorp and Ambry Genetics); PubMed 19351833 (cited by Labcorp Genetics (formerly Invitae), Labcorp); PubMed 19454582 (cited by Labcorp Genetics (formerly Invitae), Labcorp); PubMed 21945342 (cited by Labcorp Genetics (formerly Invitae), Labcorp); PubMed 22241717 (cited by Labcorp Genetics (formerly Invitae), Labcorp); PubMed 30877234 (cited by Ambry Genetics).

NM_003002.4(SDHD):c.3G>A (p.Met1Ile)

Genes: SDHD (succinate dehydrogenase complex subunit D; plus strand), LOC126861339 (BRD4-independent group 4 enhancer GRCh37_chr11:111957035-111958234; plus strand). Cytogenetic location: 11q23.1.
Variant type: single nucleotide variant.
Coding change: c.3G>A on transcript NM_003002.4 (MANE Select); coding-DNA position 3, G replaced by A.
Protein change: p.Met1Ile; changes the start codon (methionine 1).
Molecular consequence: missense variant, initiator codon variant. On other transcripts: non-coding transcript variant (1).
Genome position (GRCh38, 1-based): chr11:112,086,910, G>A. VCF-style: chr11-112086910-G-A. GRCh37 (hg19) VCF-style: chr11-111957634-G-A.
Other names: c.3G>A, p.Met1Ile (NM_001276503.2, NM_001276504.2, NM_001276506.2); short protein forms M1I.
Identifiers: ClinVar variation 579968 (VCV000579968.14), dbSNP rs80338842, ClinGen allele CA382616604.
Genomic context (GRCh38, chr11:112,086,910, plus strand): 5'-GGAATTGTCGCCTAAGTGGTTCCGGGTTGGTGGATGACCTTGAGCCCTCAGGAACGAGAT[G>A]GCGGTTCTCTGGAGGCTGAGTGCCGTTTGCGGTGCCCTAGGAGGCCGAGGTGAGGGGTCT-3'
Protein context (NP_002993.1, residues 1-11): [Met1Ile]AVLWRLSAVC